The following is an entry in ClinVar:

ClinVar aggregate classification (germline): Uncertain significance (1 of 4 stars; one submission).

Conditions:
Inborn genetic diseases. Identifiers: MedGen C0950123, MeSH D030342.

gnomAD v4.1: 1 of 1,611,370 alleles (0.000062%); highest among the groups gnomAD compares: Non-Finnish European, 0.000085%; no homozygotes.

Submission:

Ambry Genetics
Classification: Uncertain significance for Inborn genetic diseases. Last evaluated: 2018-04-20. Review status: criteria provided, single submitter. Criteria: Ambry Variant Classification Scheme 2023. Collection method: clinical testing. Allele origin: germline.
Comment: The p.V162L variant (also known as c.484G>C) is located in coding exon 8 of the DEPDC5 gene. The valine at codon 162 is replaced by leucine, an amino acid with highly similar properties. This change occurs in the first base pair of coding exon 8. This amino acid position is highly conserved in available vertebrate species. In addition, the in silico prediction for this alteration is inconclusive. Since supporting evidence is limited at this time, the clinical significance of this alteration remains unclear.

NM_001242896.3(DEPDC5):c.484G>C (p.Val162Leu)

Gene: DEPDC5 (DEP domain containing 5, GATOR1 subcomplex subunit; plus strand). Cytogenetic location: 22q12.2.
Variant type: single nucleotide variant.
Coding change: c.484G>C on transcript NM_001242896.3 (MANE Select); coding-DNA position 484, G replaced by C.
Protein change: p.Val162Leu; replaces valine 162 with leucine.
Molecular consequence: missense variant. On other transcripts: non-coding transcript variant (5).
Genome position (GRCh38, 1-based): chr22:31,783,907, G>C. VCF-style: chr22-31783907-G-C. GRCh37 (hg19) VCF-style: chr22-32179893-G-C.
Other names: c.484G>C, p.Val162Leu (NM_001007188.4, NM_001136029.4, NM_001242897.2 and 7 more transcripts); c.400G>C, p.Val134Leu (NM_001369901.1, NM_001369902.1); short protein forms V162L, V134L.
Identifiers: ClinVar variation 1743565 (VCV001743565.2), dbSNP rs1423745812, ClinGen allele CA411285425.
Genomic context (GRCh38, chr22:31,783,907, plus strand): 5'-CTTATAGAACTGAAACTGTATATGGCATTGCTTTTTAATACAATTGTGTTTTTATTTCAG[G>C]TGGTGTTTCGTTCTACGTCGGCTATGGTTTACATATTTATTCAGATGAGCTGTGAAATGT-3'
Protein context (NP_001229825.1, residues 152-172): MCGYISEDTR[Val162Leu]VFRSTSAMVY